The following is an entry in ClinVar:

ClinVar aggregate classification (germline): Uncertain significance (1 of 4 stars; one submission).

Conditions:
Charcot-Marie-Tooth disease type 2. Also called: Charcot-Marie-Tooth type 2. Identifiers: Orphanet 64746, MedGen C0270914, MONDO:0018993.

Allele frequency attached by ClinVar (database versions not stated): gnomAD exomes 0.00001 and below 0.00001; TOPMed 0.00001; gnomAD 0.00001; ESP Exome Variant Server 0.00008; ExAC 0.00001.
gnomAD v4.1: 5 of 1,614,038 alleles (0.00031%); highest among the groups gnomAD compares: Non-Finnish European, 0.00042%; no homozygotes.

Submission:

Labcorp Genetics (formerly Invitae), Labcorp
Classification: Uncertain significance for Charcot-Marie-Tooth disease type 2. Last evaluated: 2024-12-27. Review status: criteria provided, single submitter. Criteria: Invitae Variant Classification Sherloc (09022015). Collection method: clinical testing. Allele origin: germline.
Comment: This sequence change replaces glutamic acid, which is acidic and polar, with lysine, which is basic and polar, at codon 479 of the AARS protein (p.Glu479Lys). This variant is present in population databases (rs146082956, gnomAD 0.0009%). This variant has not been reported in the literature in individuals affected with AARS-related conditions. ClinVar contains an entry for this variant (Variation ID: 1682225). An algorithm developed to predict the effect of missense changes on protein structure and function (PolyPhen-2) suggests that this variant is likely to be tolerated. In summary, the available evidence is currently insufficient to determine the role of this variant in disease. Therefore, it has been classified as a Variant of Uncertain Significance.

NM_001605.3(AARS1):c.1435G>A (p.Glu479Lys)

Gene: AARS1 (alanyl-tRNA synthetase 1; minus strand). Cytogenetic location: 16q22.1.
Variant type: single nucleotide variant.
Coding change: c.1435G>A on transcript NM_001605.3 (MANE Select); coding-DNA position 1435, G replaced by A.
Protein change: p.Glu479Lys; replaces glutamic acid 479 with lysine.
Molecular consequence: missense variant.
Genome position (GRCh38, 1-based): chr16:70,265,015, C>T on the plus strand (G>A on the coding strand, the complement: AARS1 is on the minus strand). VCF-style: chr16-70265015-C-T. GRCh37 (hg19) VCF-style: chr16-70298918-C-T.
Other names: short protein forms E479K.
Identifiers: ClinVar variation 1682225 (VCV001682225.8), dbSNP rs146082956, ClinGen allele CA8140814.
Genomic context (GRCh38, chr16:70,265,015, plus strand): 5'-TACCATAGCTACCACTGGAGTCCAAATGGTAATTGTACTTTGGGGAATCATCTGTGACCT[C>T]CAGACCCCGTGCCCGGAGCTCTTCGATAGCGTAAATGTCCAGCATAATGAGGTCTTCCCC-3'
Protein context (NP_001596.2, residues 469-489): AIEELRARGL[Glu479Lys]VTDDSPKYNY